The following is an entry in ClinVar:

NM_000260.4(MYO7A):c.2218C>T (p.Arg740Trp)

Gene: MYO7A (myosin VIIA; plus strand). Cytogenetic location: 11q13.5.
Variant type: single nucleotide variant.
Coding change: c.2218C>T on transcript NM_000260.4 (MANE Select); coding-DNA position 2218, C replaced by T.
Protein change: p.Arg740Trp; replaces arginine 740 with tryptophan.
Molecular consequence: missense variant.
Genome position (GRCh38, 1-based): chr11:77,177,579, C>T. VCF-style: chr11-77177579-C-T. GRCh37 (hg19) VCF-style: chr11-76888625-C-T.
Other names: c.2218C>T, p.Arg740Trp (NM_001127180.2); c.2185C>T, p.Arg729Trp (NM_001369365.1); short protein forms R740W, R729W.
Identifiers: ClinVar variation 43176 (VCV000043176.21), dbSNP rs201234369, ClinGen allele CA132237.

ClinVar aggregate classification (germline): Conflicting classifications of pathogenicity. Review status: criteria provided, conflicting classifications (1 of 4 stars). 10 submissions from 8 submitters: Uncertain significance (6); Likely benign (2). 2 of the submissions do not count toward it. Last evaluated 2026-03-04.

Conditions:
MYO7A-related disorder. Also called: MYO7A-related disorders.
Autosomal recessive nonsyndromic hearing loss 2. Also called: DEAFNESS, AUTOSOMAL RECESSIVE 2; NEUROSENSORY NONSYNDROMIC RECESSIVE DEAFNESS 2. Identifiers: Orphanet 90636, MedGen C1838701, MONDO:0010807, OMIM 600060.
Usher syndrome type 1 (USH1). Also called: RETINITIS PIGMENTOSA AND CONGENITAL DEAFNESS. Identifiers: Orphanet 231169, Orphanet 886, MedGen C1568247, MONDO:0010168, OMIM 276900.
Usher syndrome type 1B (USH1B). Also called: Usher syndrome type IB. Identifiers: MedGen C1848638, MONDO:0700087.
Autosomal dominant nonsyndromic hearing loss 11. Identifiers: Orphanet 90635, MedGen C1832475, MONDO:0011032, OMIM 601317.

Allele frequency attached by ClinVar (database versions not stated): 1000 Genomes Project 30x 0.00016; 1000 Genomes Project 0.00020; gnomAD 0.00025 and 0.00029; TOPMed 0.00034; ESP Exome Variant Server 0.00039.
gnomAD v4.1: 79 of 1,611,888 alleles (0.0049%); highest among the groups gnomAD compares: African/African-American, 0.085%; 1 homozygote.

Submissions (10):

GeneDx
Classification: Uncertain significance. Last evaluated: 2026-03-04. Review status: criteria provided, single submitter. Criteria: GeneDx Variant Classification Process June 2021. Collection method: clinical testing. Allele origin: germline.
Comment: In silico analysis supports that this missense variant has a deleterious effect on protein structure/function; Has not been previously published as pathogenic or benign to our knowledge

Labcorp Genetics (formerly Invitae), Labcorp
Classification: Likely benign. Last evaluated: 2026-01-11. Review status: criteria provided, single submitter. Criteria: Invitae Variant Classification Sherloc (09022015). Collection method: clinical testing. Allele origin: germline.

PreventionGenetics, part of Exact Sciences
Classification: Uncertain significance for MYO7A-related condition. Last evaluated: 2025-10-21. Review status: criteria provided, single submitter. Criteria: ACMG Guidelines, 2015. Collection method: clinical testing. Allele origin: germline.
Comment: The MYO7A c.2218C>T variant is predicted to result in the amino acid substitution p.Arg740Trp. To our knowledge, this variant has not been reported in the literature. This variant is reported in 0.11% of alleles in individuals of African descent in gnomAD, which may be too frequent to be a primary cause of disease. Although we suspect that this variant may be benign, at this time, the clinical significance of this variant is uncertain due to the absence of conclusive functional and genetic evidence.

Blueprint Genetics
Classification: Uncertain significance. Last evaluated: 2024-07-23. Review status: criteria provided, single submitter. Criteria: ACMG Guidelines, 2015. Collection method: clinical testing. Allele origin: germline.

Laboratory for Molecular Medicine, Mass General Brigham Personalized Medicine
Classification: Uncertain significance. Last evaluated: 2020-06-02. Review status: criteria provided, single submitter. Criteria: LMM Criteria. Collection method: clinical testing. Allele origin: germline. Observed: 2 variant alleles.
Comment: Variant classified as Uncertain Significance - Favor Benign. It has been identified in 0.1% (27/23712) of African chromosomes by gnomAD. Computational prediction tools and conservation analyses do not provide strong support for or against an impact to the protein. In summary, while the clinical significance of this variant is uncertain, its frequency suggests it is more likely to be benign. ACMG/AMP Criteria applied: BS1_Supporting.

Illumina Laboratory Services, Illumina
Classification: Uncertain significance for Autosomal recessive nonsyndromic hearing loss 2. Last evaluated: 2018-01-13. Review status: criteria provided, single submitter. Criteria: ICSL Variant Classification Criteria 13 December 2019. Collection method: clinical testing. Allele origin: germline.

Illumina Laboratory Services, Illumina
Classification: Likely benign for Autosomal dominant nonsyndromic hearing loss 11. Last evaluated: 2018-01-13. Review status: criteria provided, single submitter. Criteria: ICSL Variant Classification Criteria 13 December 2019. Collection method: clinical testing. Allele origin: germline.
Comment: This variant was observed in the ICSL laboratory as part of a predisposition screen in an ostensibly healthy population. It had not been previously curated by ICSL or reported in the Human Gene Mutation Database (HGMD: prior to June 1st, 2018), and was therefore a candidate for classification through an automated scoring system. Utilizing variant allele frequency, disease prevalence and penetrance estimates, and inheritance mode, an automated score was calculated to assess if this variant is too frequent to cause the disease. Based on the score and internal cut-off values, a variant classified as likely benign is not then subjected to further curation. The score for this variant resulted in a classification of likely benign for this disease.

Illumina Laboratory Services, Illumina
Classification: Uncertain significance for Usher syndrome type 1. Last evaluated: 2018-01-13. Review status: criteria provided, single submitter. Criteria: ICSL Variant Classification Criteria 13 December 2019. Collection method: clinical testing. Allele origin: germline.

Natera, Inc.
Classification: Uncertain significance for Usher syndrome type 1B. Last evaluated: 2020-01-24. Review status: no assertion criteria provided. Collection method: clinical testing. Allele origin: germline. Not counted in ClinVar's aggregate classification.

Counsyl
Classification: Uncertain significance for Usher syndrome type 1; Autosomal recessive nonsyndromic hearing loss 2. Last evaluated: 2017-05-01. Review status: no assertion criteria provided. Collection method: clinical testing. Allele origin: unknown. Not counted in ClinVar's aggregate classification.